The following is an entry in ClinVar:

ClinVar aggregate classification (germline): Pathogenic (1 of 4 stars; one submission).

Submission:

GeneDx
Classification: Pathogenic. Last evaluated: 2017-10-24. Review status: criteria provided, single submitter. Criteria: GeneDx Variant Classification (06012015). Collection method: clinical testing. Allele origin: germline. Affected: yes.
Comment: The E449X variant in the GBE1 gene has not been reported previously as a pathogenic variant nor as a benign variant, to our knowledge. This variant is predicted to cause loss of normal protein function either through protein truncation or nonsense-mediated mRNA decay. The E449X variant is not observed in large population cohorts (Lek et al., 2016). We interpret E449X as a pathogenic variant.

NM_000158.4(GBE1):c.1345G>T (p.Glu449Ter)

Gene: GBE1 (1,4-alpha-glucan branching enzyme 1; minus strand). Cytogenetic location: 3p12.2.
Variant type: single nucleotide variant.
Coding change: c.1345G>T on transcript NM_000158.4 (MANE Select); coding-DNA position 1345, G replaced by T.
Protein change: p.Glu449Ter; replaces glutamic acid 449 with a stop codon.
Molecular consequence: nonsense.
Genome position (GRCh38, 1-based): chr3:81,581,266, C>A on the plus strand (G>T on the coding strand, the complement: GBE1 is on the minus strand). VCF-style: chr3-81581266-C-A. GRCh37 (hg19) VCF-style: chr3-81630417-C-A.
Other names: short protein forms E449*.
Identifiers: ClinVar variation 452861 (VCV000452861.2), dbSNP rs1553683560, ClinGen allele CA353685170.